The following is an entry in ClinVar:

NM_000093.5(COL5A1):c.2592+288C>T

Gene: COL5A1 (collagen type V alpha 1 chain; plus strand). Cytogenetic location: 9q34.3.
Variant type: single nucleotide variant.
Coding change: c.2592+288C>T on transcript NM_000093.5 (MANE Select); 288 bases into the intron after coding-DNA position 2592, C replaced by T.
Molecular consequence: intron variant.
Genome position (GRCh38, 1-based): chr9:134,785,384, C>T. VCF-style: chr9-134785384-C-T. GRCh37 (hg19) VCF-style: chr9-137677230-C-T.
Other names: c.2592+288C>T (NM_001278074.1).
Identifiers: ClinVar variation 683372 (VCV000683372.1), dbSNP rs12003876, ClinGen allele CA201105302.

ClinVar aggregate classification (germline): Benign (1 of 4 stars; one submission).

Allele frequency attached by ClinVar (database versions not stated): gnomAD 0.08291 and 0.08547; TOPMed 0.08536; 1000 Genomes Project 30x 0.08682; 1000 Genomes Project 0.08706.
gnomAD v4.1: 12,531 of 152,296 alleles (8.2%); highest among the groups gnomAD compares: African/African-American, 17%; 782 homozygotes.

Submission:

GeneDx
Classification: Benign. Last evaluated: 2018-06-14. Review status: criteria provided, single submitter. Criteria: GeneDx Variant Classification (06012015). Collection method: clinical testing. Allele origin: germline. Affected: yes.
Comment: This variant is considered likely benign or benign based on one or more of the following criteria: it is a conservative change, it occurs at a poorly conserved position in the protein, it is predicted to be benign by multiple in silico algorithms, and/or has population frequency not consistent with disease.